The following is an entry in ClinVar:

ClinVar aggregate classification (germline): Uncertain significance (1 of 4 stars; one submission).

Conditions:
Cardiovascular phenotype. Identifiers: MedGen CN230736.

Allele frequency attached by ClinVar (database versions not stated): gnomAD exomes below 0.00001; gnomAD 0.00001; TOPMed 0.00001.
gnomAD v4.1: 6 of 1,613,932 alleles (0.00037%); highest among the groups gnomAD compares: Non-Finnish European, 0.00051%; no homozygotes.

Submission:

Ambry Genetics
Classification: Uncertain significance for Cardiovascular phenotype. Last evaluated: 2022-02-20. Review status: criteria provided, single submitter. Criteria: Ambry Variant Classification Scheme 2023. Collection method: clinical testing. Allele origin: germline.
Comment: The p.S60L variant (also known as c.179C>T), located in coding exon 2 of the AKAP9 gene, results from a C to T substitution at nucleotide position 179. The serine at codon 60 is replaced by leucine, an amino acid with dissimilar properties. This amino acid position is conserved. In addition, this alteration is predicted to be tolerated by in silico analysis. Since supporting evidence is limited at this time, the clinical significance of this alteration remains unclear.

NM_005751.5(AKAP9):c.179C>T (p.Ser60Leu)

Gene: AKAP9 (A-kinase anchoring protein 9; plus strand). Cytogenetic location: 7q21.2.
Variant type: single nucleotide variant.
Coding change: c.179C>T on transcript NM_005751.5 (MANE Select); coding-DNA position 179, C replaced by T.
Protein change: p.Ser60Leu; replaces serine 60 with leucine.
Molecular consequence: missense variant.
Genome position (GRCh38, 1-based): chr7:91,973,841, C>T. VCF-style: chr7-91973841-C-T. GRCh37 (hg19) VCF-style: chr7-91603155-C-T.
Other names: c.179C>T, p.Ser60Leu (NM_147185.3); short protein forms S60L.
Identifiers: ClinVar variation 1780331 (VCV001780331.2), dbSNP rs1423223603, ClinGen allele CA368118634.
Genomic context (GRCh38, chr7:91,973,841, plus strand): 5'-GAAAAACGTCAAGCAGTAAACATGATGTGTCAGCACACCATGATTTGAATATTGATCAAT[C>T]ACAGTGTAATGAAATGTACATAAATAGTTCTCAGAGAGTAGAATCAACTGTGATTCCTGA-3'
Protein context (NP_005742.4, residues 50-70): SAHHDLNIDQ[Ser60Leu]QCNEMYINSS